The following is an entry in ClinVar:

NM_183050.4(BCKDHB):c.196+1G>T

Gene: BCKDHB (branched chain keto acid dehydrogenase E1 subunit beta; plus strand). Cytogenetic location: 6q14.1.
Variant type: single nucleotide variant.
Coding change: c.196+1G>T on transcript NM_183050.4 (MANE Select); the canonical splice donor site of the intron after coding-DNA position 196, G replaced by T.
Molecular consequence: splice donor variant. On other transcripts: intron variant (1).
Genome position (GRCh38, 1-based): chr6:80,106,890, G>T. VCF-style: chr6-80106890-G-T. GRCh37 (hg19) VCF-style: chr6-80816607-G-T.
Other names: c.-15+207G>T (NM_001318975.1); c.196+1G>T (NM_000056.5, NM_183050.3).
Identifiers: ClinVar variation 556885 (VCV000556885.5), dbSNP rs1554181203, ClinGen allele CA364658461.

ClinVar aggregate classification (germline): Likely pathogenic. Review status: criteria provided, multiple submitters, no conflicts (2 of 4 stars). 3 submissions from 3 submitters: Likely pathogenic (2). 1 of the submissions does not count toward it. Last evaluated 2025-08-12.

Conditions:
Maple syrup urine disease type 1A (MSUD1A). Also called: MSUD type 1A. Identifiers: MedGen C1855369, MONDO:0023691, OMIM 248600.
Maple syrup urine disease type 1B (MSUD1B). Also called: MSUD type IB; MSUD type 3 (formerly); MSUD due to deficiency of e1-beta subunit of branched-chain alpha-keto acid dehydrogenase complex. Identifiers: MedGen C2930990, MONDO:0023692, OMIM 620698.

Allele frequency attached by ClinVar (database versions not stated): gnomAD exomes below 0.00001.
gnomAD v4.1: 2 of 1,602,782 alleles (0.00012%); highest among the groups gnomAD compares: South Asian, 0.0022%; no homozygotes.

Submissions (3):

Myriad Genetics, Inc.
Classification: Likely pathogenic for Maple syrup urine disease type 1B. Last evaluated: 2025-08-12. Review status: criteria provided, single submitter. Criteria: Myriad Autosomal Dominant, Autosomal Recessive and X-Linked Classification Criteria (2023). Collection method: clinical testing. Allele origin: unknown.
Comment: NM_183050.2(BCKDHB):c.196+1G>T is a variant in a canonical splice site classified as likely pathogenic in the context of maple syrup urine disease type Ib. c.196+1G>T has not been observed in cases with relevant disease. Relevant functional assessments of this variant are not available in the literature. c.196+1G>T has not been observed in referenced population frequency databases. In summary, NM_183050.2(BCKDHB):c.196+1G>T is a variant in a canonical splice site in a gene where loss of function is a known mechanism of disease and is predicted to disrupt protein function. Please note: this variant was assessed in the context of healthy population screening.

Natera, Inc.
Classification: Likely pathogenic for Maple syrup urine disease type 1B. Last evaluated: 2024-09-11. Review status: criteria provided, single submitter. Criteria: Natera Variant Classification Schema (03/2026). Collection method: clinical testing. Allele origin: germline.
Comment: The c.196+1G>T variant in BCKDHB is a canonical splice donor site variant predicted to affect pre-mRNA splicing, which may result in an abnormal transcript and altered protein product. This variant is expected to result in nonsense mediated decay, truncation, or a dysfunctional protein product. This variant is rare in the general population with a frequency below the threshold expected for the associated phenotype(s). Given the available evidence, this variant is classified as Likely Pathogenic.

Counsyl
Classification: Likely pathogenic for Maple syrup urine disease type 1A. Last evaluated: 2018-03-01. Review status: no assertion criteria provided. Collection method: clinical testing. Allele origin: unknown. Not counted in ClinVar's aggregate classification.